The following is an entry in ClinVar:

NM_001378615.1(CC2D2A):c.1571_1572del (p.Arg524fs)

Genes: CC2D2A (coiled-coil and C2 domain containing 2A; plus strand), FBXL5 (F-box and leucine rich repeat protein 5; minus strand). Cytogenetic location: 4p15.32.
Variant type: Microsatellite.
Coding change: c.1571_1572del on transcript NM_001378615.1 (MANE Select); coding-DNA positions 1571 to 1572, 2 bases deleted (GA; older notation c.1571_1572delGA).
Protein change: p.Arg524fs; shifts the reading frame from arginine 524.
Molecular consequence: frameshift variant.
Genome position (GRCh38, 1-based): chr4:15,533,297-15,533,298, GA deleted; deleting any 2 consecutive bases within chr4:15,533,294-15,533,298 gives the same sequence; the c. name uses the placement nearest the transcript's 3' end. VCF-style (leftmost placement, unchanged base first): chr4-15533293-CAG-C. GRCh37 (hg19) VCF-style: chr4-15534916-CAG-C.
Other names: c.1571_1572del, p.Arg524fs (NM_001080522.2); c.1424_1425del, p.Arg475fs (NM_001378617.1); short protein forms R475fs, R524fs.
Identifiers: ClinVar variation 5013293 (VCV005013293.1).

ClinVar aggregate classification (germline): Pathogenic (1 of 4 stars; one submission).

Conditions:
Joubert syndrome and related disorders. Identifiers: Orphanet 140874, MedGen C5679612, MONDO:0015369.

Submission:

Myriad Genetics, Inc.
Classification: Pathogenic for Joubert syndrome and related disorders. Last evaluated: 2024-07-09. Review status: criteria provided, single submitter. Criteria: Myriad Autosomal Dominant, Autosomal Recessive and X-Linked Classification Criteria (2023). Collection method: clinical testing. Allele origin: unknown.
Comment: NM_001080522.2(CC2D2A):c.1571_1572delGA(R524Ifs*16) is expected to be pathogenic in the context of CC2D2A-related disorders. This variant is predicted to lead to an abnormal or absent protein product due to the creation of a premature termination codon in CC2D2A, a gene where loss-of-function variants are known to be pathogenic. Please note: this variant was assessed in the context of healthy population screening.